The following is an entry in ClinVar:

NM_001046.3(SLC12A2):c.3436-1G>T

Gene: SLC12A2 (solute carrier family 12 member 2; plus strand). Cytogenetic location: 5q23.3.
Variant type: single nucleotide variant.
Coding change: c.3436-1G>T on transcript NM_001046.3 (MANE Select); the canonical splice acceptor site of the intron before coding-DNA position 3436, G replaced by T.
Molecular consequence: splice acceptor variant. On other transcripts: non-coding transcript variant (1).
Genome position (GRCh38, 1-based): chr5:128,184,788, G>T. VCF-style: chr5-128184788-G-T. GRCh37 (hg19) VCF-style: chr5-127520480-G-T.
Other names: c.3388-1G>T (NM_001256461.2).
Identifiers: ClinVar variation 1317118 (VCV001317118.2), dbSNP rs2126761771, ClinGen allele CA360741747.

ClinVar aggregate classification (germline): Uncertain significance (1 of 4 stars; one submission).

Submission:

GeneDx
Classification: Uncertain significance. Last evaluated: 2019-04-03. Review status: criteria provided, single submitter. Criteria: GeneDx Variant Classification Process June 2021. Collection method: clinical testing. Allele origin: germline. Affected: yes.
Comment: Has not been previously published as pathogenic or benign to our knowledge; Variants in candidate genes are classified as variants of uncertain significance in accordance with ACMG guidelines (Richards et al., 2015); Not observed in large population cohorts (Lek et al., 2016); Canonical splice site variant in a gene for which loss-of-function is not a known mechanism of disease